The following is an entry in ClinVar:

ClinVar aggregate classification (germline): Likely pathogenic (1 of 4 stars; one submission).

Conditions:
Platelet-type bleeding disorder 10. Also called: CD36 DEFICIENCY. Identifiers: MedGen C1842090, MONDO:0012031, OMIM 608404.

gnomAD v4.1: 12 of 1,496,458 alleles (0.0008%); highest among the groups gnomAD compares: Non-Finnish European, 0.0011%; no homozygotes.

Submission:

Juno Genomics, Hangzhou Juno Genomics, Inc
Classification: Likely pathogenic for Platelet-type bleeding disorder 10. Review status: criteria provided, single submitter. Criteria: ACMG Guidelines, 2015. Collection method: clinical testing. Allele origin: germline.
Comment: Absent from controls (or at extremely low frequency if recessive) in Genome Aggregation Database.;Null variant in a gene where loss of function (LOF) is a known mechanism of disease.

NM_001001548.3(CD36):c.610-1G>A

Gene: CD36 (CD36 molecule (CD36 blood group); plus strand). Cytogenetic location: 7q21.11.
Variant type: single nucleotide variant.
Coding change: c.610-1G>A on transcript NM_001001548.3 (MANE Select); the canonical splice acceptor site of the intron before coding-DNA position 610, G replaced by A.
Molecular consequence: splice acceptor variant.
Genome position (GRCh38, 1-based): chr7:80,664,405, G>A. VCF-style: chr7-80664405-G-A. GRCh37 (hg19) VCF-style: chr7-80293721-G-A.
Other names: c.610-1G>A (NM_001371075.1, NM_001001547.3, NM_001371074.1 and 6 more transcripts); c.145-1G>A (NM_001371081.1, NM_001371080.1); c.382-1G>A (NM_001289911.2); c.508-1G>A (NM_001371079.1); c.430-1G>A (NM_001289909.1).
Identifiers: ClinVar variation 5018737 (VCV005018737.2).
Genomic context (GRCh38, chr7:80,664,405, plus strand): 5'-TATTGTACAACTTTGAAAAAATGACTTGTAGAAGTAACATTTTCCCATACATATATTTCA[G>A]TACAACAATACTGCAGATGGAGTTTATAAAGTTTTCAATGGAAAAGATAACATAAGTAAA-3'